The following is an entry in ClinVar:

NM_003919.3(SGCE):c.639dup (p.Pro214fs)

Genes: CASD1 (CAS1 domain sialic acid O acetyltransferase 1; plus strand), SGCE (sarcoglycan epsilon; minus strand). Cytogenetic location: 7q21.3.
Variant type: Duplication.
Coding change: c.639dup on transcript NM_003919.3 (MANE Select); coding-DNA position 639, one base duplicated (T; older notation c.639dupT).
Protein change: p.Pro214fs; shifts the reading frame from proline 214.
Molecular consequence: frameshift variant.
Genome position (GRCh38, 1-based): chr7:94,618,781, A duplicated on the plus strand (T on the coding strand, the reverse complement: SGCE is on the minus strand); the first of 2 consecutive A bases (chr7:94,618,781-94,618,782); duplicating either gives the same sequence. VCF-style (leftmost placement, unchanged base first): chr7-94618780-G-GA. GRCh37 (hg19) VCF-style: chr7-94248092-G-GA.
Other names: c.639dup, p.Pro214fs (NM_001099400.2, NM_001099401.2, NM_001346717.2); c.516dup, p.Pro173fs (NM_001301139.2, NM_001362809.2); c.747dup, p.Pro250fs (NM_001346713.2, NM_001346715.2); c.552dup, p.Pro185fs (NM_001346719.2, NM_001362807.2); c.366dup, p.Pro123fs (NM_001346720.2, NM_001362808.2); c.639dupT (NM_003919.3); short protein forms P123fs, P173fs, P185fs, P214fs, P250fs.
Identifiers: ClinVar variation 2682219 (VCV002682219.1), dbSNP rs2485107870, ClinGen allele CA2695208106.
Genomic context (GRCh38, chr7:94,618,780, plus strand): 5'-AATCTATATTTAAGGCAATGAGATAAAGATCTGCTTACCCCTCCTTCAGGTCATTAATGG[G>GA]AAGTGGCACCCTGCCACCCCTGTCTAGGGCCGATGTGATGTTTATGGCGTTCAGGCGCTC-3'

ClinVar aggregate classification (germline): Pathogenic (1 of 4 stars; one submission).

Conditions:
Myoclonic dystonia 11 (DYT11). Also called: DYT-SGCE; Myoclonic dystonia; Dystonia 11; Dystonia, alcohol responsive; Hereditary essential myoclonus; SGCE Myoclonus-Dystonia. Identifiers: Orphanet 36899, MedGen C1834570, MONDO:0008044, OMIM 159900.

Submission:

Women's Health and Genetics/Laboratory Corporation of America, LabCorp
Classification: Pathogenic for Myoclonic dystonia 11. Last evaluated: 2023-11-21. Review status: criteria provided, single submitter. Criteria: LabCorp Variant Classification Summary - May 2015. Collection method: clinical testing. Allele origin: germline.
Comment: Variant summary: SGCE c.639dupT (p.Pro214SerfsX3) results in a premature termination codon, predicted to cause a truncation of the encoded protein or absence of the protein due to nonsense mediated decay, which are commonly known mechanisms for disease. The variant was absent in 250934 control chromosomes. c.639dupT has been reported in the literature in multiple family members affected with Myoclonic Dystonia 11 (Akbari_2014). To our knowledge, no experimental evidence demonstrating an impact on protein function has been reported. The following publication has been ascertained in the context of this evaluation (PMID: 25034659). No submitters have cited clinical-significance assessments for this variant to ClinVar after 2014. Based on the evidence outlined above, the variant was classified as pathogenic.

Literature cited by the submitters: PubMed 25034659.